The following is an entry in ClinVar:

NM_005051.3(QARS1):c.1417G>C (p.Ala473Pro)

Gene: QARS1 (glutaminyl-tRNA synthetase 1; minus strand). Cytogenetic location: 3p21.31.
Variant type: single nucleotide variant.
Coding change: c.1417G>C on transcript NM_005051.3 (MANE Select); coding-DNA position 1417, G replaced by C.
Protein change: p.Ala473Pro; replaces alanine 473 with proline.
Molecular consequence: missense variant. On other transcripts: non-coding transcript variant (1).
Genome position (GRCh38, 1-based): chr3:49,099,619, C>G on the plus strand (G>C on the coding strand, the complement: QARS1 is on the minus strand). VCF-style: chr3-49099619-C-G. GRCh37 (hg19) VCF-style: chr3-49137052-C-G.
Other names: c.1384G>C, p.Ala462Pro (NM_001272073.2); short protein forms A473P, A462P.
Identifiers: ClinVar variation 1043331 (VCV001043331.5), dbSNP rs2042439830, ClinGen allele CA352706753.

ClinVar aggregate classification (germline): Uncertain significance (1 of 4 stars; one submission).

Conditions:
Diffuse cerebral and cerebellar atrophy - intractable seizures - progressive microcephaly syndrome. Also called: Microcephaly, progressive, with seizures and cerebral and cerebellar atrophy. Identifiers: Orphanet 404437, MedGen C4014239, MONDO:0014335, OMIM 615760.

Submission:

Labcorp Genetics (formerly Invitae), Labcorp
Classification: Uncertain significance for Diffuse cerebral and cerebellar atrophy - intractable seizures - progressive microcephaly syndrome. Last evaluated: 2024-02-17. Review status: criteria provided, single submitter. Criteria: Invitae Variant Classification Sherloc (09022015). Collection method: clinical testing. Allele origin: germline.
Comment: This sequence change replaces alanine, which is neutral and non-polar, with proline, which is neutral and non-polar, at codon 473 of the QARS protein (p.Ala473Pro). This variant is not present in population databases (gnomAD no frequency). This variant has not been reported in the literature in individuals affected with QARS-related conditions. ClinVar contains an entry for this variant (Variation ID: 1043331). Advanced modeling of protein sequence and biophysical properties (such as structural, functional, and spatial information, amino acid conservation, physicochemical variation, residue mobility, and thermodynamic stability) has been performed at Invitae for this missense variant, however the output from this modeling did not meet the statistical confidence thresholds required to predict the impact of this variant on QARS protein function. In summary, the available evidence is currently insufficient to determine the role of this variant in disease. Therefore, it has been classified as a Variant of Uncertain Significance.